The following is an entry in ClinVar:

ClinVar aggregate classification (germline): Conflicting classifications of pathogenicity. Review status: criteria provided, conflicting classifications (1 of 4 stars). 14 submissions from 14 submitters: Pathogenic (1); Likely pathogenic (1); Uncertain significance (11). 1 of the submissions does not count toward it. Last evaluated 2026-04-24.

Conditions:
CFTR-related disorder (CFTR-RD). Also called: CFTR-related condition; CFTR-related disorders. Identifiers: MedGen C5924204, MONDO:7770004.
Cystic fibrosis (CF). Also called: MUCOVISCIDOSIS. Identifiers: Orphanet 586, MedGen C0010674, MONDO:0009061, OMIM 219700. Disease mechanism: loss of function.

Allele frequency attached by ClinVar (database versions not stated): gnomAD 0.00009; gnomAD exomes 0.00006; ExAC 0.00007; TOPMed 0.00008.
gnomAD v4.1: 242 of 1,613,652 alleles (0.015%); highest among the groups gnomAD compares: Middle Eastern, 0.05%; no homozygotes.

Submissions 1 to 8 of 14:

Women's Health and Genetics/Laboratory Corporation of America, LabCorp
Classification: Uncertain significance. Last evaluated: 2026-04-24. Review status: criteria provided, single submitter. Criteria: LabCorp Variant Classification Summary - May 2015. Collection method: clinical testing. Allele origin: germline.
Comment: Variant summary: CFTR c.332C>T (p.Pro111Leu) results in a non-conservative amino acid change located in the ABC transporter type 1, transmembrane domain (IPR011527) of the encoded protein sequence. Algorithms developed to predict the effect of missense changes on protein structure and function all suggest that this variant is likely to be disruptive. The variant allele was found at a frequency of 6.3e-05 in 252330 control chromosomes. This frequency is not significantly higher than estimated for disease-causing variants in CFTR, allowing no conclusion about variant significance. These data do not allow any conclusion about variant significance. At least one publication reports experimental evidence evaluating an impact on protein function. The most pronounced variant effect resulted in approximately 20% of normal chloride channel conductance relative to wild type (e.g., Bihler_2024). The following publications have been ascertained in the context of this evaluation (PMID: 38388235, 9921909, 33572515, 11278813, 36468602, 16128988, 24451227, 34782259, 34996830, 31672438, 21520337, 24727426, 10200050). ClinVar contains an entry for this variant (Variation ID: 53720). Based on the evidence outlined above, the variant was classified as VUS-possibly pathogenic.

Labcorp Genetics (formerly Invitae), Labcorp
Classification: Uncertain significance for Cystic fibrosis. Last evaluated: 2025-12-24. Review status: criteria provided, single submitter. Criteria: Invitae Variant Classification Sherloc (09022015). Collection method: clinical testing. Allele origin: germline.
Comment: This sequence change replaces proline, which is neutral and non-polar, with leucine, which is neutral and non-polar, at codon 111 of the CFTR protein (p.Pro111Leu). This variant is present in population databases (rs140502196, gnomAD 0.01%). This missense change has been observed in individual(s) with CFTR-related conditions (PMID: 10200050, 31672438). ClinVar contains an entry for this variant (Variation ID: 53720). Invitae Evidence Modeling of protein sequence and biophysical properties (such as structural, functional, and spatial information, amino acid conservation, physicochemical variation, residue mobility, and thermodynamic stability) indicates that this missense variant is expected to disrupt CFTR protein function with a positive predictive value of 80%. Experimental studies are conflicting or provide insufficient evidence to determine the effect of this variant on CFTR function (PMID: 11278813). In summary, the available evidence is currently insufficient to determine the role of this variant in disease. Therefore, it has been classified as a Variant of Uncertain Significance.

GeneDx
Classification: Uncertain significance. Last evaluated: 2025-04-17. Review status: criteria provided, single submitter. Criteria: GeneDx Variant Classification Process June 2021. Collection method: clinical testing. Allele origin: germline. Affected: yes.
Comment: Observed with a pathogenic variant on the opposite allele (in trans) in a patient with CBAVD in the published literature; please note that this variant is described using alternate c. nomenclature c.464C>T (PMID: 10200050); Identified as being possibly associated with CFTR-related disorders, however, functional studies show that this variant only slightly reduced mutant protein biosynthesis, stability, and chloride efflux ability compared to wild type, and several reports of P111L in the published literature describe individuals with non-obstructive azoospermia and chronic bronchitis who were not found to harbor a second CFTR variant in trans (PMID: 16128988, 11278813, 9921909); In silico analysis supports that this missense variant has a deleterious effect on protein structure/function; This variant is associated with the following publications: (PMID: 21520337, 26990548, 11278813, 26277102, 29484681, 24727426, 24451227, 9921909, 34996830, 33572515, 28603918, Canbek2024[CaseReport], 38388235, 36468602, 16128988, 31672438, 34782259, 10200050)

Mayo Clinic Laboratories, Mayo Clinic
Classification: Uncertain significance. Last evaluated: 2025-04-01. Review status: criteria provided, single submitter. Criteria: ACMG Guidelines, 2015. Collection method: clinical testing. Allele origin: germline. Observed: 3 variant alleles.
Comment: PP3_moderate, PM2_supporting

Ambry Genetics
Classification: Uncertain significance for Cystic fibrosis. Last evaluated: 2025-03-07. Review status: criteria provided, single submitter. Criteria: Ambry Variant Classification Scheme 2023. Collection method: clinical testing. Allele origin: germline.
Comment: The p.P111L variant (also known as c.332C>T), located in coding exon 4 of the CFTR gene, results from a C to T substitution at nucleotide position 332. The proline at codon 111 is replaced by leucine, an amino acid with similar properties. This alteration has been reported with another mutation in association with congenital bilateral absence of vas deferens (de Meeus A et al. Hum. Mutat., 1998;11:480; Steiner B et al. Hum Mutat, 2011 Aug;32:912-20), in the heterozygous state in an individual with chronic bronchitis (Bombieri C et al. Hum. Genet., 1998 Dec;103:718-22), and in the heterozygous state in an individual with non-obstructive azoospermia (Larriba S et al. Int. J. Androl., 2005 Oct;28:284-90). In vitro studies suggested a difference in channel activity between the mutant and wild type under a specific temperature condition (H&auml;mmerle MM et al. J. Biol. Chem., 2001 May;276:14848-54). This amino acid position is highly conserved in available vertebrate species. In addition, this alteration is predicted to be deleterious by in silico analysis. Based on available evidence to date, the clinical significance of this alteration remains unclear.

CFTR-France
Classification: Pathogenic for CFTR-related disorders. Last evaluated: 2024-01-24. Review status: criteria provided, single submitter. Criteria: Claustres M et al. (Hum Mutat 2017). Collection method: curation. Allele origin: germline. Affected: yes. Observed: 2 variant alleles.

Johns Hopkins Genomics, Johns Hopkins University
Classification: Likely pathogenic for Cystic fibrosis. Last evaluated: 2023-12-01. Review status: criteria provided, single submitter. Criteria: ACMG Guidelines, 2015. Collection method: clinical testing. Allele origin: germline.
Comment: This CFTR missense variant has been identified in individuals with features of cystic fibrosis, but not a classic cystic fibrosis phenotype. It (rs140502196) is rare (<0.1%) in a large population dataset (gnomADv4.0.0: 242/1613652 total alleles; 0.015%; no homozygotes) and has an entry in ClinVar (Variation ID: 53720). The proline residue at this position is highly evolutionarily conserved across the species assessed. A single published functional study demonstrates that p.Pro111Leu may have a subtle impact on CFTR protein function and this is supported by an unpublished study that indicates that this variant decreases the conductance of CFTR to a level that is consistent with that of a variant associated with varying clinical consequence. We consider CFTR c.332C>T to be a likely pathogenic variant associated with varying clinical consequence.

Quest Diagnostics Nichols Institute San Juan Capistrano
Classification: Uncertain significance. Last evaluated: 2023-01-30. Review status: criteria provided, single submitter. Criteria: Quest Diagnostics criteria. Collection method: clinical testing. Allele origin: unknown.
Comment: The frequency of this variant in the general population, 0.00011 (14/128988 chromosomes), is uninformative in assessment of its pathogenicity. In the published literature, the variant occurs with a second, pathogenic CFTR variant in an individual with congenital bilateral absence of vas deferens (CBVAD) (PMIDs: 21520337 (2011), 10200050 (1998)). Additionally, the variant is reported in individuals with cystic fibrosis (CF) (PMIDs: 34782259 (2021), 26990548 (2016)), chronic bronchitis (PMID: 9921909 (1998)), non-obstructive azoospermia (PMID: 16128988 (2005)), and in healthy individuals (PMID: 24451227 (2014)). Functional studies report the variant slightly destabilizes gene function (PMID: 11278813 (2001)), however further studies are needed. Analysis of this variant using bioinformatics tools for the prediction of the effect of amino acid changes on protein structure and function yielded predictions that this variant is damaging. Based on the available information, we are unable to determine the clinical significance of this variant.

NM_000492.4(CFTR):c.332C>T (p.Pro111Leu)

Gene: CFTR (CF transmembrane conductance regulator; plus strand). Cytogenetic location: 7q31.2.
Variant type: single nucleotide variant.
Coding change: c.332C>T on transcript NM_000492.4 (MANE Select); coding-DNA position 332, C replaced by T.
Protein change: p.Pro111Leu; replaces proline 111 with leucine.
Molecular consequence: missense variant.
Genome position (GRCh38, 1-based): chr7:117,530,957, C>T. VCF-style: chr7-117530957-C-T. GRCh37 (hg19) VCF-style: chr7-117171011-C-T.
Other names: short protein forms P111L.
Identifiers: ClinVar variation 53720 (VCV000053720.55), dbSNP rs140502196, ClinGen allele CA327149.